The following is an entry in ClinVar:

NM_001042681.2(RERE):c.4307TCCACC[1] (p.1436LH[1])

Gene: RERE (arginine-glutamic acid dipeptide repeats; minus strand). Cytogenetic location: 1p36.23.
Variant type: Microsatellite.
Coding change: c.4307TCCACC[1] on transcript NM_001042681.2 (MANE Select); one copy of the 6-base unit TCCACC starting at c.4307; the reference has two copies in a row; one copy, 6 bases deleted.
Protein change: p.1436LH[1].
Molecular consequence: inframe deletion.
Genome position (GRCh38, 1-based): chr1:8,358,217-8,358,222, GGTGGA deleted on the plus strand (TCCACC on the coding strand, the reverse complement: RERE is on the minus strand); deleting any 6 consecutive bases within chr1:8,358,217-8,358,233 gives the same sequence; the position shown is the placement nearest the transcript's 3' end. VCF-style (leftmost placement, unchanged base first): chr1-8358216-TGGTGGA-T. GRCh37 (hg19) VCF-style: chr1-8418276-TGGTGGA-T.
Other names: c.2645TCCACC[1], p.882LH[1] (NM_001042682.2); c.4307TCCACC[1], p.1436LH[1] (NM_012102.4); c.4313_4318delTCCACC (NM_012102.4); c.4313_4318del (NM_012102.4).
Identifiers: ClinVar variation 2580782 (VCV002580782.3), dbSNP rs1064793252, ClinGen allele CA2580618187.

ClinVar aggregate classification (germline): Pathogenic. Review status: criteria provided, multiple submitters, no conflicts (2 of 4 stars). 3 submissions from 3 submitters: Pathogenic (3). Last evaluated 2025-08-05.

Conditions:
Neurodevelopmental disorder with or without anomalies of the brain, eye, or heart (NEDBEH). Identifiers: Orphanet 494344, MedGen C5567477, MONDO:0014857, OMIM 616975.

Submissions (3):

Daryl Scott Lab, Baylor College of Medicine
Classification: Pathogenic for Neurodevelopmental disorder with or without anomalies of the brain, eye, or heart. Last evaluated: 2025-08-05. Review status: criteria provided, single submitter. Criteria: ACMG Guidelines, 2015. Collection method: clinical testing. Allele origin: unknown. Affected: yes. Observed: 2 heterozygotes.
Comment: PS2, PS4, PM2

Center of Human Genetics, Hôpital Erasme
Classification: Pathogenic for Neurodevelopmental disorder with or without anomalies of the brain, eye, or heart. Last evaluated: 2025-01-01. Review status: criteria provided, single submitter. Criteria: ACMG Guidelines, 2015. Collection method: clinical testing. Allele origin: de novo. Affected: yes.

GeneDx
Classification: Pathogenic. Last evaluated: 2023-09-21. Review status: criteria provided, single submitter. Criteria: GeneDx Variant Classification Process June 2021. Collection method: clinical testing. Allele origin: germline. Affected: yes.
Comment: Not observed in large population cohorts (gnomAD); In-frame deletion of 2 amino acids in a non-repeat region; In silico analysis supports a deleterious effect on protein structure/function; Has not been previously published as pathogenic or benign to our knowledge